The following is an entry in ClinVar:

NM_003737.4(DCHS1):c.8581A>G (p.Ile2861Val)

Gene: DCHS1 (dachsous cadherin-related 1; minus strand). Cytogenetic location: 11p15.4.
Variant type: single nucleotide variant.
Coding change: c.8581A>G on transcript NM_003737.4 (MANE Select); coding-DNA position 8581, A replaced by G.
Protein change: p.Ile2861Val; replaces isoleucine 2861 with valine.
Molecular consequence: missense variant.
Genome position (GRCh38, 1-based): chr11:6,623,095, T>C on the plus strand (A>G on the coding strand, the complement: DCHS1 is on the minus strand). VCF-style: chr11-6623095-T-C. GRCh37 (hg19) VCF-style: chr11-6644326-T-C.
Other names: short protein forms I2861V.
Identifiers: ClinVar variation 3666968 (VCV003666968.2).

ClinVar aggregate classification (germline): Uncertain significance (1 of 4 stars; one submission).

Submission:

Labcorp Genetics (formerly Invitae), Labcorp
Classification: Uncertain significance. Last evaluated: 2025-10-13. Review status: criteria provided, single submitter. Criteria: Invitae Variant Classification Sherloc (09022015). Collection method: clinical testing. Allele origin: germline.
Comment: This sequence change replaces isoleucine, which is neutral and non-polar, with valine, which is neutral and non-polar, at codon 2861 of the DCHS1 protein (p.Ile2861Val). This variant is not present in population databases (gnomAD no frequency). This variant has not been reported in the literature in individuals affected with DCHS1-related conditions. ClinVar contains an entry for this variant (Variation ID: 3666968). Invitae Evidence Modeling of protein sequence and biophysical properties (such as structural, functional, and spatial information, amino acid conservation, physicochemical variation, residue mobility, and thermodynamic stability) indicates that this missense variant is not expected to disrupt DCHS1 protein function with a negative predictive value of 80%. In summary, the available evidence is currently insufficient to determine the role of this variant in disease. Therefore, it has been classified as a Variant of Uncertain Significance.